The following is an entry in ClinVar:

NM_000038.6(APC):c.531+1125T>A

Gene: APC (APC regulator of WNT signaling pathway; plus strand). Cytogenetic location: 5q22.2.
Variant type: single nucleotide variant.
Coding change: c.531+1125T>A on transcript NM_000038.6 (MANE Select); 1125 bases into the intron after coding-DNA position 531, T replaced by A.
Molecular consequence: intron variant.
Genome position (GRCh38, 1-based): chr5:112,776,862, T>A. VCF-style: chr5-112776862-T-A. GRCh37 (hg19) VCF-style: chr5-112112559-T-A.
Other names: c.531+1125T>A (NM_001354895.2, NM_001127510.3, NM_001354896.2 and 2 more transcripts); c.561+1125T>A (NM_001354897.2, NM_001354902.2, NM_001127511.3); c.456+1125T>A (NM_001354898.2, NM_001354904.2); c.-505+1125T>A (NM_001354906.2); c.354+1125T>A (NM_001354900.2, NM_001354901.2, NM_001354905.2).
Identifiers: ClinVar variation 82916 (VCV000082916.2), dbSNP rs75454866, ClinGen allele CA010050.
Genomic context (GRCh38, chr5:112,776,862, plus strand): 5'-CTGCACTCCATCCAGCCTGGGTGACAGAGCAAGACTCCATCTCAAAACAAAAAGAAAAAA[T>A]AAAAAAAAAAATAAATGACTCACTAGAGGAATCTTTAAGTGTCCATTTAACTGTCTTGTT-3'

ClinVar aggregate classification (germline): other (0 of 4 stars; one submission).

Conditions:
Familial colorectal cancer. Identifiers: MedGen CN280943, MONDO:0023113. Disease mechanism: loss of function.

Submission:

Systems Biology Platform Zhejiang California International NanoSystems Institute
Classification: other for Familial colorectal cancer. Review status: no assertion criteria provided. Collection method: not provided. Allele origin: unknown.
ClinVar note: Converted during submission from cancer to other.